The following is an entry in ClinVar:

ClinVar aggregate classification (germline): Uncertain significance (1 of 4 stars; one submission).

Conditions:
Neuronal ceroid lipofuscinosis 13 (CLN13). Also called: CEROID LIPOFUSCINOSIS, NEURONAL, 13 (KUFS TYPE); CLN13 Disease. Identifiers: Orphanet 352709, Orphanet 79262, MedGen C3715049, MONDO:0014147, OMIM 615362.

Allele frequency attached by ClinVar (database versions not stated): gnomAD exomes below 0.00001.

Submission:

Labcorp Genetics (formerly Invitae), Labcorp
Classification: Uncertain significance for Ceroid lipofuscinosis, neuronal, 13. Last evaluated: 2019-10-07. Review status: criteria provided, single submitter. Criteria: Invitae Variant Classification Sherloc (09022015). Collection method: clinical testing. Allele origin: germline.
Comment: This sequence change replaces serine with alanine at codon 319 of the CTSF protein (p.Ser319Ala). The serine residue is highly conserved and there is a moderate physicochemical difference between serine and alanine. This variant is not present in population databases (ExAC no frequency). This variant has not been reported in the literature in individuals with CTSF-related conditions. Algorithms developed to predict the effect of missense changes on protein structure and function are either unavailable or do not agree on the potential impact of this missense change (SIFT: "Deleterious"; PolyPhen-2: "Probably Damaging"; Align-GVGD: "Class C0"). In summary, the available evidence is currently insufficient to determine the role of this variant in disease. Therefore, it has been classified as a Variant of Uncertain Significance.

NM_003793.4(CTSF):c.955T>G (p.Ser319Ala)

Gene: CTSF (cathepsin F; minus strand). Cytogenetic location: 11q13.2.
Variant type: single nucleotide variant.
Coding change: c.955T>G on transcript NM_003793.4 (MANE Select); coding-DNA position 955, T replaced by G.
Protein change: p.Ser319Ala; replaces serine 319 with alanine.
Molecular consequence: missense variant.
Genome position (GRCh38, 1-based): chr11:66,565,840, A>C on the plus strand (T>G on the coding strand, the complement: CTSF is on the minus strand). VCF-style: chr11-66565840-A-C. GRCh37 (hg19) VCF-style: chr11-66333311-A-C.
Other names: short protein forms S319A.
Identifiers: ClinVar variation 935571 (VCV000935571.1), dbSNP rs1857917135, ClinGen allele CA381460682.